The following is an entry in ClinVar:

NM_000179.3(MSH6):c.3646+8A>G

Gene: MSH6 (mutS homolog 6; plus strand). Cytogenetic location: 2p16.3.
Variant type: single nucleotide variant.
Coding change: c.3646+8A>G on transcript NM_000179.3 (MANE Select); 8 bases into the intron after coding-DNA position 3646, A replaced by G.
Molecular consequence: intron variant.
Genome position (GRCh38, 1-based): chr2:47,805,715, A>G. VCF-style: chr2-47805715-A-G. GRCh37 (hg19) VCF-style: chr2-48032854-A-G.
Other names: c.3646+8A>G (NM_001406809.1, NM_001406796.1, NM_001406808.1 and 1 more transcripts); c.2740+8A>G (NM_001406811.1, NM_001406814.1, NM_001281493.2 and 6 more transcripts); c.3349+8A>G (NM_001406805.1, NM_001406797.1, NM_001406801.1 and 10 more transcripts); c.3742+8A>G (NM_001406795.1, NM_001406802.1); c.3652+8A>G (NM_001406813.1); c.3121+8A>G (NM_001406807.1, NM_001406799.1, NM_001406806.1); c.3472+8A>G (NM_001406798.1); c.2782+8A>G (NM_001406803.1); and 7 more.
Identifiers: ClinVar variation 3903600 (VCV003903600.1).

ClinVar aggregate classification (germline): Likely benign (1 of 4 stars; one submission).

Conditions:
Lynch syndrome 5 (LYNCH5). Also called: Colorectal cancer, hereditary nonpolyposis, type 5; Hereditary non-polyposis colorectal cancer, type 5. Identifiers: Orphanet 144, MedGen C1833477, MONDO:0013710, OMIM 614350. Disease mechanism: loss of function.

Submission:

Myriad Genetics, Inc.
Classification: Likely benign for Lynch syndrome 5. Last evaluated: 2025-01-07. Review status: criteria provided, single submitter. Criteria: Myriad Autosomal Dominant, Autosomal Recessive and X-Linked Classification Criteria (2023). Collection method: clinical testing. Allele origin: unknown.
Comment: This variant is considered likely benign. This variant is intronic and is not expected to impact mRNA splicing.